The following is an entry in ClinVar:

ClinVar aggregate classification (germline): Uncertain significance (1 of 4 stars; one submission).

Conditions:
Symmetrical dyschromatosis of extremities (DSH). Also called: DYSCHROMATOSIS SYMMETRICA HEREDITARIA 1; RETICULATE ACROPIGMENTATION OF DOHI; SYMMETRIC DYSCHROMATOSIS OF THE EXTREMITIES; Dyschromatosis symmetrica hereditaria. Identifiers: Orphanet 41, MedGen C0406775, MONDO:0007483, OMIM 127400.
Aicardi-Goutieres syndrome 6 (AGS6). Identifiers: Orphanet 51, MedGen C3539013, MONDO:0014007, OMIM 615010.

Submission:

Labcorp Genetics (formerly Invitae), Labcorp
Classification: Uncertain significance for Aicardi-Goutieres syndrome 6; Symmetrical dyschromatosis of extremities. Last evaluated: 2024-11-18. Review status: criteria provided, single submitter. Criteria: Invitae Variant Classification Sherloc (09022015). Collection method: clinical testing. Allele origin: germline.
Comment: This sequence change replaces serine, which is neutral and polar, with alanine, which is neutral and non-polar, at codon 878 of the ADAR protein (p.Ser878Ala). This variant is not present in population databases (gnomAD no frequency). This variant has not been reported in the literature in individuals affected with ADAR-related conditions. Invitae Evidence Modeling of protein sequence and biophysical properties (such as structural, functional, and spatial information, amino acid conservation, physicochemical variation, residue mobility, and thermodynamic stability) indicates that this missense variant is not expected to disrupt ADAR protein function with a negative predictive value of 80%. In summary, the available evidence is currently insufficient to determine the role of this variant in disease. Therefore, it has been classified as a Variant of Uncertain Significance.

NM_001111.5(ADAR):c.2632T>G (p.Ser878Ala)

Genes: ADAR (adenosine deaminase RNA specific; minus strand), LOC126805874 (CDK7 strongly-dependent group 2 enhancer GRCh37_chr1:154561176-154562375; plus strand). Cytogenetic location: 1q21.3.
Variant type: single nucleotide variant.
Coding change: c.2632T>G on transcript NM_001111.5 (MANE Select); coding-DNA position 2632, T replaced by G.
Protein change: p.Ser878Ala; replaces serine 878 with alanine.
Molecular consequence: missense variant.
Genome position (GRCh38, 1-based): chr1:154,589,793, A>C on the plus strand (T>G on the coding strand, the complement: ADAR is on the minus strand). VCF-style: chr1-154589793-A-C. GRCh37 (hg19) VCF-style: chr1-154562269-A-C.
Other names: c.1747T>G, p.Ser583Ala (NM_001025107.3, NM_001193495.2, NM_001365046.1 and 2 more transcripts); c.2659T>G, p.Ser887Ala (NM_001365045.1); c.1669T>G, p.Ser557Ala (NM_001365049.1); c.2554T>G, p.Ser852Ala (NM_015840.4); c.2497T>G, p.Ser833Ala (NM_015841.4); short protein forms S557A, S583A, S833A, S852A, S878A, S887A.
Identifiers: ClinVar variation 3758006 (VCV003758006.2).